The following is an entry in ClinVar:

ClinVar aggregate classification (germline): Conflicting classifications of pathogenicity. Review status: criteria provided, conflicting classifications (1 of 4 stars). 6 submissions from 6 submitters: Uncertain significance (2); Benign (1); Likely benign (3). Last evaluated 2026-01-09.

Conditions:
Heterotopia, periventricular, X-linked dominant (PVNH1). Also called: PERIVENTRICULAR NODULAR HETEROTOPIA 4; HETEROTOPIA, PERIVENTRICULAR, 1; PERIVENTRICULAR NODULAR HETEROTOPIA 1; X-linked periventricular heterotopia. Identifiers: Orphanet 2149, Orphanet 82004, MedGen C1848213, MONDO:0010233, OMIM 300049.
Frontometaphyseal dysplasia (FMD1). Identifiers: Orphanet 1826, MedGen C0265293, MONDO:0015942.
Oto-palato-digital syndrome, type II (OPD2). Also called: Otopalatodigital Syndrome, Type II; Otopalatodigital Syndrome Type 2 (FLNA-OPD2); OPD II SYNDROME; FACIOPALATOOSSEOUS SYNDROME. Identifiers: Orphanet 669, Orphanet 90652, MedGen C1844696, MONDO:0010571, OMIM 304120.
Melnick-Needles syndrome (MNS). Also called: Melnick-Needles Syndrome (FLNA-MNS); MELNICK-NEEDLES OSTEODYSPLASTY; OSTEODYSPLASTY OF MELNICK AND NEEDLES. Identifiers: Orphanet 2484, MedGen C0025237, MONDO:0010650, OMIM 309350.
Familial thoracic aortic aneurysm and aortic dissection (TAAD). Also called: Thoracic aortic aneurysms and dissections. Identifiers: Orphanet 91387, MedGen C4707243, MONDO:0019625.

Allele frequency attached by ClinVar (database versions not stated): ExAC below 0.00001; gnomAD exomes 0.00003 and 0.00005; gnomAD 0.00027 and 0.00032; TOPMed 0.00065.
gnomAD v4.1: 97 of 1,194,162 alleles (0.0081%); highest among the groups gnomAD compares: Admixed American, 0.11%; 1 homozygote.

Submissions (6):

Labcorp Genetics (formerly Invitae), Labcorp
Classification: Benign for Oto-palato-digital syndrome, type II; Heterotopia, periventricular, X-linked dominant; Frontometaphyseal dysplasia; Melnick-Needles syndrome. Last evaluated: 2026-01-09. Review status: criteria provided, single submitter. Criteria: Invitae Variant Classification Sherloc (09022015). Collection method: clinical testing. Allele origin: germline.

Mayo Clinic Laboratories, Mayo Clinic
Classification: Uncertain significance. Last evaluated: 2025-08-15. Review status: criteria provided, single submitter. Criteria: ACMG Guidelines, 2015. Collection method: clinical testing. Allele origin: germline. Observed: 2 variant alleles.
Comment: BP4_moderate, PP2

Ambry Genetics
Classification: Likely benign for Familial thoracic aortic aneurysm and aortic dissection. Last evaluated: 2025-04-14. Review status: criteria provided, single submitter. Criteria: Ambry Variant Classification Scheme 2023. Collection method: clinical testing. Allele origin: germline.

Blueprint Genetics
Classification: Likely benign. Last evaluated: 2021-03-31. Review status: criteria provided, single submitter. Criteria: ACMG Guidelines, 2015. Collection method: clinical testing. Allele origin: germline.

GeneDx
Classification: Likely benign. Last evaluated: 2020-12-17. Review status: criteria provided, single submitter. Criteria: GeneDx Variant Classification Process June 2021. Collection method: clinical testing. Allele origin: germline. Affected: yes.

Center for Pediatric Genomic Medicine, Children's Mercy Hospital and Clinics
Classification: Uncertain significance. Last evaluated: 2017-07-17. Review status: criteria provided, single submitter. Criteria: ACMG Guidelines, 2015. Collection method: clinical testing. Allele origin: germline.

NM_001110556.2(FLNA):c.65A>G (p.Asp22Gly)

Gene: FLNA (filamin A; minus strand). Cytogenetic location: Xq28.
Variant type: single nucleotide variant.
Coding change: c.65A>G on transcript NM_001110556.2 (MANE Select); coding-DNA position 65, A replaced by G.
Protein change: p.Asp22Gly; replaces aspartic acid 22 with glycine.
Molecular consequence: missense variant.
Genome position (GRCh38, 1-based): chrX:154,371,181, T>C on the plus strand (A>G on the coding strand, the complement: FLNA is on the minus strand). VCF-style: chrX-154371181-T-C. GRCh37 (hg19) VCF-style: chrX-153599549-T-C.
Other names: p.Asp22Gly; c.65A>G, p.Asp22Gly (NM_001456.4); short protein forms D22G.
Identifiers: ClinVar variation 391884 (VCV000391884.22), dbSNP rs782598729, ClinGen allele CA10561466.